The following is an entry in ClinVar:

NM_000030.3(AGXT):c.598A>G (p.Ile200Val)

Gene: AGXT (alanine--glyoxylate aminotransferase; plus strand). Cytogenetic location: 2q37.3.
Variant type: single nucleotide variant.
Coding change: c.598A>G on transcript NM_000030.3 (MANE Select); coding-DNA position 598, A replaced by G.
Protein change: p.Ile200Val; replaces isoleucine 200 with valine.
Molecular consequence: missense variant.
Genome position (GRCh38, 1-based): chr2:240,873,980, A>G. VCF-style: chr2-240873980-A-G. GRCh37 (hg19) VCF-style: chr2-241813397-A-G.
Other names: short protein forms I200V.
Identifiers: ClinVar variation 2671871 (VCV002671871.2), dbSNP rs1017611176, ClinGen allele CA68179247.

ClinVar aggregate classification (germline): Conflicting classifications of pathogenicity. Review status: criteria provided, conflicting classifications (1 of 4 stars). 2 submissions from 2 submitters: Pathogenic (1); Uncertain significance (1). Last evaluated 2023-12-31.

Conditions:
Inborn genetic diseases. Identifiers: MedGen C0950123, MeSH D030342.
Primary hyperoxaluria, type I (HP1). Also called: OXALOSIS I; Primary hyperoxaluria type 1; GLYCOLIC ACIDURIA; HEPATIC AGT DEFICIENCY. Identifiers: Orphanet 416, Orphanet 93598, MedGen C0268164, MONDO:0009823, OMIM 259900. Disease mechanism: loss of function.

Allele frequency attached by ClinVar (database versions not stated): TOPMed below 0.00001; gnomAD 0.00001; gnomAD exomes 0.00002.

Submissions (2):

Ambry Genetics
Classification: Uncertain significance for Inborn genetic diseases. Last evaluated: 2023-12-31. Review status: criteria provided, single submitter. Criteria: Ambry Variant Classification Scheme 2023. Collection method: clinical testing. Allele origin: germline.

Thalassemia Center, San Luigi University Hospital
Classification: Pathogenic for Primary hyperoxaluria, type I. Last evaluated: 2023-10-27. Review status: criteria provided, single submitter. Criteria: ACMG Guidelines, 2015. Collection method: clinical testing. Allele origin: germline. Affected: yes.
Comment: ACMG:PS3 PM1 PM2 PM3 PP4